The following is an entry in ClinVar:

ClinVar aggregate classification (germline): Likely benign (0 of 4 stars; one submission).

Conditions:
TNIK-related disorder. Also called: TNIK-related condition.

Allele frequency attached by ClinVar (database versions not stated): gnomAD exomes 0.00002; ExAC 0.00008; gnomAD 0.00022; TOPMed 0.00039; ESP Exome Variant Server 0.00041.
gnomAD v4.1: 60 of 1,613,256 alleles (0.0037%); highest among the groups gnomAD compares: African/African-American, 0.078%; no homozygotes.

Submission:

PreventionGenetics, part of Exact Sciences
Classification: Likely benign for TNIK-related condition. Last evaluated: 2020-02-07. Review status: no assertion criteria provided. Collection method: clinical testing. Allele origin: germline.
Comment: This variant is classified as likely benign based on ACMG/AMP sequence variant interpretation guidelines (Richards et al. 2015 PMID: 25741868, with internal and published modifications).

NM_015028.4(TNIK):c.1722T>C (p.Ser574=)

Gene: TNIK (TRAF2 and NCK interacting kinase; minus strand). Cytogenetic location: 3q26.2.
Variant type: single nucleotide variant.
Coding change: c.1722T>C on transcript NM_015028.4 (MANE Select); coding-DNA position 1722, T replaced by C.
Protein change: p.Ser574=; no amino-acid change (serine 574 retained).
Molecular consequence: synonymous variant. On other transcripts: intron variant (4).
Genome position (GRCh38, 1-based): chr3:171,128,765, A>G on the plus strand (T>C on the coding strand, the complement: TNIK is on the minus strand). VCF-style: chr3-171128765-A-G. GRCh37 (hg19) VCF-style: chr3-170846554-A-G.
Other names: c.1722T>C, p.Ser574= (NM_001161560.3); c.1635T>C, p.Ser545= (NM_001161561.3, NM_001161562.3); c.1522-2614T>C (NM_001161566.3, NM_001161565.3); c.1609-2614T>C (NM_001161564.3, NM_001161563.3).
Identifiers: ClinVar variation 3051398 (VCV003051398.2), dbSNP rs368677789, ClinGen allele CA2703422.